The following is an entry in ClinVar:

NM_001184880.2(PCDH19):c.2423C>A (p.Thr808Asn)

Genes: PCDH19 (protocadherin 19; minus strand), LOC125467768 (CDK7 strongly-dependent group 2 enhancer GRCh37_chrX:99657381-99658580; plus strand). Cytogenetic location: Xq22.1.
Variant type: single nucleotide variant.
Coding change: c.2423C>A on transcript NM_001184880.2 (MANE Select); coding-DNA position 2423, C replaced by A.
Protein change: p.Thr808Asn; replaces threonine 808 with asparagine.
Molecular consequence: missense variant.
Genome position (GRCh38, 1-based): chrX:100,402,717, G>T on the plus strand (C>A on the coding strand, the complement: PCDH19 is on the minus strand). VCF-style: chrX-100402717-G-T. GRCh37 (hg19) VCF-style: chrX-99657715-G-T.
Other names: c.2282C>A, p.Thr761Asn (NM_001105243.2, NM_020766.3); short protein forms T761N, T808N.
Identifiers: ClinVar variation 4797677 (VCV004797677.1).

ClinVar aggregate classification (germline): Uncertain significance (1 of 4 stars; one submission).

Conditions:
Developmental and epileptic encephalopathy, 9 (DEE9). Also called: Early infantile epileptic encephalopathy 9; JUBERG-HELLMAN SYNDROME; PCDH19-Related X-Linked Female-Limited Epilepsy with Mental Retardation; EPILEPSY, FEMALE-RESTRICTED, WITH MENTAL RETARDATION. Identifiers: Orphanet 101039, Orphanet 2076, MedGen C1848137, MONDO:0010246, OMIM 300088. Disease mechanism: loss of function.

gnomAD v4.1: 9 of 1,211,021 alleles (0.00074%); highest among the groups gnomAD compares: Non-Finnish European, 0.001%; no homozygotes.

Submission:

Labcorp Genetics (formerly Invitae), Labcorp
Classification: Uncertain significance for Developmental and epileptic encephalopathy, 9. Last evaluated: 2025-03-09. Review status: criteria provided, single submitter. Criteria: Invitae Variant Classification Sherloc (09022015). Collection method: clinical testing. Allele origin: germline.
Comment: This sequence change replaces threonine, which is neutral and polar, with asparagine, which is neutral and polar, at codon 808 of the PCDH19 protein (p.Thr808Asn). This variant is not present in population databases (gnomAD no frequency). This variant has not been reported in the literature in individuals affected with PCDH19-related conditions. Invitae Evidence Modeling of protein sequence and biophysical properties (such as structural, functional, and spatial information, amino acid conservation, physicochemical variation, residue mobility, and thermodynamic stability) indicates that this missense variant is not expected to disrupt PCDH19 protein function with a negative predictive value of 95%. In summary, the available evidence is currently insufficient to determine the role of this variant in disease. Therefore, it has been classified as a Variant of Uncertain Significance.